The following is an entry in ClinVar:

ClinVar aggregate classification (germline): Likely benign (1 of 4 stars; one submission).

Conditions:
GNAS-related disorder. Identifiers: MedGen CN380105.

gnomAD v4.1: 3 of 1,611,588 alleles (0.00019%); highest among the groups gnomAD compares: Admixed American, 0.0017%; no homozygotes.

Submission:

PreventionGenetics, part of Exact Sciences
Classification: Likely benign for GNAS-related condition. Last evaluated: 2025-02-05. Review status: criteria provided, single submitter. Criteria: ACMG Guidelines, 2015. Collection method: clinical testing. Allele origin: germline.
Comment: This variant is classified as likely benign based on ACMG/AMP sequence variant interpretation guidelines (Richards et al. 2015 PMID: 25741868, with internal and published modifications).

NM_016592.5(GNAS):c.66G>A (p.Pro22=)

Genes: GNAS (GNAS complex locus; plus strand), GNAS-AS1 (GNAS antisense RNA 1; minus strand). Cytogenetic location: 20q13.32.
Variant type: single nucleotide variant.
Coding change: c.66G>A on transcript NM_016592.5 (MANE Plus Clinical); coding-DNA position 66, G replaced by A.
Protein change: p.Pro22=; no amino-acid change (proline 22 retained).
Molecular consequence: synonymous variant. On other transcripts: 5 prime UTR variant (1).
Genome position (GRCh38, 1-based): chr20:58,840,172, G>A. VCF-style: chr20-58840172-G-A. GRCh37 (hg19) VCF-style: chr20-57415227-G-A.
Other names: c.-672G>A (NM_001410912.1).
Identifiers: ClinVar variation 4987011 (VCV004987011.1).